The following is an entry in ClinVar:

ClinVar aggregate classification (germline): Uncertain significance (1 of 4 stars; one submission).

Conditions:
BBS4-related disorder. Also called: BBS4-related condition.

gnomAD v4.1: 8 of 1,614,068 alleles (0.0005%); highest among the groups gnomAD compares: Non-Finnish European, 0.00068%; no homozygotes.

Submission:

PreventionGenetics, part of Exact Sciences
Classification: Uncertain significance for BBS4-related condition. Last evaluated: 2025-07-15. Review status: criteria provided, single submitter. Criteria: ACMG Guidelines, 2015. Collection method: clinical testing. Allele origin: germline.
Comment: The BBS4 c.1326T>A variant is predicted to result in the amino acid substitution p.Asp442Glu. To our knowledge, this variant has not been reported in the literature or in a large population database (gnomAD), indicating this variant is rare. At this time, the clinical significance of this variant is uncertain due to the absence of conclusive functional and genetic evidence.

NM_033028.5(BBS4):c.1326T>A (p.Asp442Glu)

Gene: BBS4 (Bardet-Biedl syndrome 4; plus strand). Cytogenetic location: 15q24.1.
Variant type: single nucleotide variant.
Coding change: c.1326T>A on transcript NM_033028.5 (MANE Select); coding-DNA position 1326, T replaced by A.
Protein change: p.Asp442Glu; replaces aspartic acid 442 with glutamic acid.
Molecular consequence: missense variant. On other transcripts: non-coding transcript variant (2).
Genome position (GRCh38, 1-based): chr15:72,736,839, T>A. VCF-style: chr15-72736839-T-A. GRCh37 (hg19) VCF-style: chr15-73029180-T-A.
Other names: c.810T>A, p.Asp270Glu (NM_001252678.2); c.1257T>A, p.Asp419Glu (NM_001320665.2); short protein forms D442E, D270E, D419E.
Identifiers: ClinVar variation 4982631 (VCV004982631.1).